The following is an entry in ClinVar:

NM_206538.4(EMC10):c.679-211G>A

Gene: EMC10 (ER membrane protein complex subunit 10; plus strand). Cytogenetic location: 19q13.33.
Variant type: single nucleotide variant.
Coding change: c.679-211G>A on transcript NM_206538.4 (MANE Select); 211 bases into the intron before coding-DNA position 679, G replaced by A.
Molecular consequence: intron variant. On other transcripts: synonymous variant (1).
Genome position (GRCh38, 1-based): chr19:50,481,938, G>A. VCF-style: chr19-50481938-G-A. GRCh37 (hg19) VCF-style: chr19-50985195-G-A.
Other names: c.756G>A, p.Gln252= (NM_175063.6).
Identifiers: ClinVar variation 2650348 (VCV002650348.24), dbSNP rs2513796872, ClinGen allele CA2586588790.
Genomic context (GRCh38, chr19:50,481,938, plus strand): 5'-GGGGGCCGTGTTGCTCACAGCCCTGCGTCCTGCTGCGCCAGGGCCCGCGCCACCGCCACA[G>A]GAGGCCTGAGTGAGGACCGAGACCCCTGCCCCTCCCTGCGCCCCACTGGCCCTCCCTGAC-3'

ClinVar aggregate classification (germline): Likely benign (1 of 4 stars; one submission).

Submission:

CeGaT Center for Human Genetics Tuebingen
Classification: Likely benign. Last evaluated: 2023-04-01. Review status: criteria provided, single submitter. Criteria: CeGaT Center For Human Genetics Tuebingen Variant Classification Criteria Version 2. Collection method: clinical testing. Allele origin: germline. Affected: yes. Observed: 1 variant allele.
Comment: EMC10: PM2:Supporting, BP4, BP7